The following is an entry in ClinVar:

NM_001367873.1(SOX6):c.829C>T (p.Arg277Trp)

Genes: SOX6 (SRY-box transcription factor 6; minus strand), LOC128772343 (melanoma risk locus-associated MPRA allelic enhancer 11:16133413; plus strand). Cytogenetic location: 11p15.2.
Variant type: single nucleotide variant.
Coding change: c.829C>T on transcript NM_001367873.1 (MANE Select); coding-DNA position 829, C replaced by T.
Protein change: p.Arg277Trp; replaces arginine 277 with tryptophan.
Molecular consequence: missense variant.
Genome position (GRCh38, 1-based): chr11:16,111,872, G>A on the plus strand (C>T on the coding strand, the complement: SOX6 is on the minus strand). VCF-style: chr11-16111872-G-A. GRCh37 (hg19) VCF-style: chr11-16133418-G-A.
Other names: c.829C>T, p.Arg277Trp (NM_001145811.2, NM_001145819.2, NM_001367872.1 and 2 more transcripts); short protein forms R277W.
Identifiers: ClinVar variation 1678672 (VCV001678672.2), dbSNP rs887849379, ClinGen allele CA218343183.
Genomic context (GRCh38, chr11:16,111,872, plus strand): 5'-ATGTTATTCCAGGGGGGAAGAGGAATCCCTGTTGGGCAGCAGCAGCTGCTGCCAGAGTCC[G>A]CTGGTCATGTGGAAAAATTGGGATCATGAGCGGAGGCATGTGACCCTGAACCTGCTAAAC-3'
Protein context (NP_001354802.1, residues 267-287): LMIPIFPHDQ[Arg277Trp]TLAAAAAAQQ

ClinVar aggregate classification (germline): Uncertain significance (1 of 4 stars; one submission).

Allele frequency attached by ClinVar (database versions not stated): TOPMed below 0.00001; gnomAD 0.00001; gnomAD exomes 0.00001.

Submission:

GeneDx
Classification: Uncertain significance. Last evaluated: 2022-04-08. Review status: criteria provided, single submitter. Criteria: GeneDx Variant Classification Process June 2021. Collection method: clinical testing. Allele origin: germline. Affected: yes.
Comment: In silico analysis supports that this missense variant has a deleterious effect on protein structure/function; Has not been previously published as pathogenic or benign to our knowledge